The following is an entry in ClinVar:

ClinVar aggregate classification (germline): Conflicting classifications of pathogenicity. Review status: criteria provided, conflicting classifications (1 of 4 stars). 2 submissions from 2 submitters: Uncertain significance (1); Likely benign (1). Last evaluated 2023-06-17.

Conditions:
Developmental and epileptic encephalopathy, 30 (DEE30). Also called: Epileptic encephalopathy, early infantile, 30. Identifiers: MedGen C4225360, MONDO:0014595, OMIM 616341.
Inborn genetic diseases. Identifiers: MedGen C0950123, MeSH D030342.

Allele frequency attached by ClinVar (database versions not stated): gnomAD exomes 0.00003.

Submissions (2):

Labcorp Genetics (formerly Invitae), Labcorp
Classification: Uncertain significance for Developmental and epileptic encephalopathy, 30. Last evaluated: 2023-06-17. Review status: criteria provided, single submitter. Criteria: Invitae Variant Classification Sherloc (09022015). Collection method: clinical testing. Allele origin: germline.
Comment: This sequence change replaces threonine, which is neutral and polar, with methionine, which is neutral and non-polar, at codon 468 of the SIK1 protein (p.Thr468Met). This variant is present in population databases (no rsID available, gnomAD 0.01%). In summary, the available evidence is currently insufficient to determine the role of this variant in disease. Therefore, it has been classified as a Variant of Uncertain Significance. Advanced modeling of protein sequence and biophysical properties (such as structural, functional, and spatial information, amino acid conservation, physicochemical variation, residue mobility, and thermodynamic stability) performed at Invitae indicates that this missense variant is not expected to disrupt SIK1 protein function. ClinVar contains an entry for this variant (Variation ID: 589867). This variant has not been reported in the literature in individuals affected with SIK1-related conditions.

Ambry Genetics
Classification: Likely benign for Inborn genetic diseases. Last evaluated: 2022-10-25. Review status: criteria provided, single submitter. Criteria: Ambry Variant Classification Scheme 2023. Collection method: clinical testing. Allele origin: germline.

NM_173354.5(SIK1):c.1403C>T (p.Thr468Met)

Gene: SIK1 (salt inducible kinase 1; minus strand). Cytogenetic location: 21q22.3.
Variant type: single nucleotide variant.
Coding change: c.1403C>T on transcript NM_173354.5 (MANE Select); coding-DNA position 1403, C replaced by T.
Protein change: p.Thr468Met; replaces threonine 468 with methionine.
Molecular consequence: missense variant.
Genome position (GRCh38, 1-based): chr21:43,419,080, G>A on the plus strand (C>T on the coding strand, the complement: SIK1 is on the minus strand). VCF-style: chr21-43419080-G-A. GRCh37 (hg19) VCF-style: chr21-44838960-G-A.
Other names: short protein forms T468M.
Identifiers: ClinVar variation 589867 (VCV000589867.15), dbSNP rs1012778505, ClinGen allele CA321325854.